The following is an entry in ClinVar:

ClinVar aggregate classification (germline): Uncertain significance (1 of 4 stars; one submission).

gnomAD v4.1: 2 of 1,613,762 alleles (0.00012%); highest among the groups gnomAD compares: East Asian, 0.0022%; no homozygotes.

Submission:

Labcorp Genetics (formerly Invitae), Labcorp
Classification: Uncertain significance. Last evaluated: 2021-10-20. Review status: criteria provided, single submitter. Criteria: Invitae Variant Classification Sherloc (09022015). Collection method: clinical testing. Allele origin: germline.
Comment: This sequence change replaces arginine with proline at codon 2544 of the SZT2 protein (p.Arg2544Pro). The arginine residue is highly conserved and there is a moderate physicochemical difference between arginine and proline. In summary, the available evidence is currently insufficient to determine the role of this variant in disease. Therefore, it has been classified as a Variant of Uncertain Significance. Algorithms developed to predict the effect of missense changes on protein structure and function (SIFT, PolyPhen-2, Align-GVGD) all suggest that this variant is likely to be tolerated, but these predictions have not been confirmed by published functional studies and their clinical significance is uncertain. This variant has not been reported in the literature in individuals with SZT2-related conditions. This variant is not present in population databases (ExAC no frequency).

NM_001365999.1(SZT2):c.7802G>C (p.Arg2601Pro)

Gene: SZT2 (SZT2 subunit of KICSTOR complex; plus strand). Cytogenetic location: 1p34.2.
Variant type: single nucleotide variant.
Coding change: c.7802G>C on transcript NM_001365999.1 (MANE Select); coding-DNA position 7802, G replaced by C.
Protein change: p.Arg2601Pro; replaces arginine 2601 with proline.
Molecular consequence: missense variant.
Genome position (GRCh38, 1-based): chr1:43,442,059, G>C. VCF-style: chr1-43442059-G-C. GRCh37 (hg19) VCF-style: chr1-43907730-G-C.
Other names: c.7631G>C, p.Arg2544Pro (NM_015284.4); short protein forms R2601P, R2544P.
Identifiers: ClinVar variation 1434455 (VCV001434455.6), dbSNP rs757425191, ClinGen allele CA340036186.